The following is an entry in ClinVar:

NM_015909.4(NBAS):c.1810C>T (p.Gln604Ter)

Gene: NBAS (NBAS subunit of NRZ tethering complex; minus strand). Cytogenetic location: 2p24.3.
Variant type: single nucleotide variant.
Coding change: c.1810C>T on transcript NM_015909.4 (MANE Select); coding-DNA position 1810, C replaced by T.
Protein change: p.Gln604Ter; replaces glutamine 604 with a stop codon.
Molecular consequence: nonsense. On other transcripts: non-coding transcript variant (1).
Genome position (GRCh38, 1-based): chr2:15,468,449, G>A on the plus strand (C>T on the coding strand, the complement: NBAS is on the minus strand). VCF-style: chr2-15468449-G-A. GRCh37 (hg19) VCF-style: chr2-15608573-G-A.
Other names: short protein forms Q604*.
Identifiers: ClinVar variation 1911171 (VCV001911171.5), dbSNP rs1558367266, ClinGen allele CA345884463.
Genomic context (GRCh38, chr2:15,468,449, plus strand): 5'-CATCTGCTCCTTTCCCTATTGCTAAAAGAGCCTCCAGGTCTGTGCCTTTTAATCCATACT[G>A]AAGCAGTTCTTTTGCAGCATCCACATTTTCAGGAACTCTTTCCAAACACTCATGGAGAAC-3'

ClinVar aggregate classification (germline): Pathogenic (1 of 4 stars; one submission).

Allele frequency attached by ClinVar (database versions not stated): gnomAD exomes 0.00001.
gnomAD v4.1: 3 of 1,613,986 alleles (0.00019%); highest among the groups gnomAD compares: Non-Finnish European, 0.00025%; no homozygotes.

Submission:

Labcorp Genetics (formerly Invitae), Labcorp
Classification: Pathogenic. Last evaluated: 2024-04-25. Review status: criteria provided, single submitter. Criteria: Invitae Variant Classification Sherloc (09022015). Collection method: clinical testing. Allele origin: germline.
Comment: This sequence change creates a premature translational stop signal (p.Gln604*) in the NBAS gene. It is expected to result in an absent or disrupted protein product. Loss-of-function variants in NBAS are known to be pathogenic (PMID: 26073778, 26541327, 27789416, 28031453). This variant is not present in population databases (gnomAD no frequency). This variant has not been reported in the literature in individuals affected with NBAS-related conditions. ClinVar contains an entry for this variant (Variation ID: 1911171). Algorithms developed to predict the effect of sequence changes on RNA splicing suggest that this variant may disrupt the consensus splice site. For these reasons, this variant has been classified as Pathogenic.

Literature cited by the submitters: PubMed 26073778; PubMed 26541327; PubMed 27789416; PubMed 28031453.